The following is an entry in ClinVar:

NM_000321.3(RB1):c.2750A>G (p.Asn917Ser)

Gene: RB1 (RB transcriptional corepressor 1; plus strand). Cytogenetic location: 13q14.2.
Variant type: single nucleotide variant.
Coding change: c.2750A>G on transcript NM_000321.3 (MANE Select); coding-DNA position 2750, A replaced by G.
Protein change: p.Asn917Ser; replaces asparagine 917 with serine.
Molecular consequence: missense variant.
Genome position (GRCh38, 1-based): chr13:48,480,034, A>G. VCF-style: chr13-48480034-A-G. GRCh37 (hg19) VCF-style: chr13-49054170-A-G.
Other names: c.2750A>G (NM_000321.2); short protein forms N917S.
Identifiers: ClinVar variation 1434422 (VCV001434422.8), dbSNP rs1475201975, ClinGen allele CA388158411.

ClinVar aggregate classification (germline): Conflicting classifications of pathogenicity. Review status: criteria provided, conflicting classifications (1 of 4 stars). 2 submissions from 2 submitters: Uncertain significance (1); Likely benign (1). Last evaluated 2024-12-18.

Conditions:
Hereditary cancer-predisposing syndrome. Also called: Hereditary Cancer Syndrome; Hereditary neoplastic syndrome; Neoplastic Syndromes, Hereditary; Tumor predisposition. Identifiers: Orphanet 140162, MedGen C0027672, MeSH D009386, MONDO:0015356.
Retinoblastoma (RB1). Also called: RETINOBLASTOMA, SOMATIC. Identifiers: Orphanet 790, MedGen C0035335, MeSH D012175, MONDO:0008380, OMIM 180200, HP:0009919. Disease mechanism: loss of function. Inheritance: Both sporadic and heritable forms are tested..

Allele frequency attached by ClinVar (database versions not stated): gnomAD exomes below 0.00001; TOPMed below 0.00001.
gnomAD v4.1: 1 of 1,613,540 alleles (0.000062%); highest among the groups gnomAD compares: South Asian, 0.0011%; no homozygotes.

Submissions (2):

Labcorp Genetics (formerly Invitae), Labcorp
Classification: Uncertain significance for Retinoblastoma. Last evaluated: 2024-12-18. Review status: criteria provided, single submitter. Criteria: Invitae Variant Classification Sherloc (09022015). Collection method: clinical testing. Allele origin: germline.
Comment: This sequence change replaces asparagine, which is neutral and polar, with serine, which is neutral and polar, at codon 917 of the RB1 protein (p.Asn917Ser). This variant is not present in population databases (gnomAD no frequency). This variant has not been reported in the literature in individuals affected with RB1-related conditions. ClinVar contains an entry for this variant (Variation ID: 1434422). An algorithm developed to predict the effect of missense changes on protein structure and function outputs the following: PolyPhen-2: "Possibly Damaging". The serine amino acid residue is found in multiple mammalian species, which suggests that this missense change does not adversely affect protein function. In summary, the available evidence is currently insufficient to determine the role of this variant in disease. Therefore, it has been classified as a Variant of Uncertain Significance.

Ambry Genetics
Classification: Likely benign for Hereditary cancer-predisposing syndrome. Last evaluated: 2024-07-20. Review status: criteria provided, single submitter. Criteria: Ambry Variant Classification Scheme 2023. Collection method: clinical testing. Allele origin: germline.